The following is an entry in ClinVar:

NM_000059.4(BRCA2):c.6272_6273insA (p.Ser2091fs)

Gene: BRCA2 (BRCA2 DNA repair associated; plus strand). Cytogenetic location: 13q13.1.
Variant type: Insertion.
Coding change: c.6272_6273insA on transcript NM_000059.4 (MANE Select); coding-DNA positions 6272 to 6273, A inserted.
Protein change: p.Ser2091fs; shifts the reading frame from serine 2091.
Molecular consequence: frameshift variant.
Genome position: GRCh38 VCF-style: chr13-32340627-G-GA. GRCh37 (hg19) VCF-style: chr13-32914764-G-GA.
Other names: short protein forms S2091fs.
Identifiers: ClinVar variation 548326 (VCV000548326.1), dbSNP rs1555284618, ClinGen allele CA658823704.

ClinVar aggregate classification (germline): Pathogenic (3 of 4 stars; one submission).

Conditions:
Breast-ovarian cancer, familial, susceptibility to, 2 (BROVCA2). Also called: BRCA2 Hereditary Breast and Ovarian Cancer. Identifiers: Orphanet 145, MedGen C2675520, MONDO:0012933, OMIM 612555. Disease mechanism: loss of function.

Submission:

Evidence-based Network for the Interpretation of Germline Mutant Alleles (ENIGMA)
Classification: Pathogenic for Breast-ovarian cancer, familial, susceptibility to, 2. Last evaluated: 2017-12-15. Review status: reviewed by expert panel. Criteria: ENIGMA BRCA1/2 Classification Criteria (2017-06-29). Collection method: curation. Allele origin: germline. Study: ENIGMA.
Comment: Variant allele predicted to encode a truncated non-functional protein.